The following is an entry in ClinVar:

NM_001830.4(CLCN4):c.42G>T (p.Met14Ile)

Gene: CLCN4 (chloride voltage-gated channel 4; plus strand). Cytogenetic location: Xp22.2.
Variant type: single nucleotide variant.
Coding change: c.42G>T on transcript NM_001830.4 (MANE Select); coding-DNA position 42, G replaced by T.
Protein change: p.Met14Ile; replaces methionine 14 with isoleucine.
Molecular consequence: missense variant. On other transcripts: intron variant (1).
Genome position (GRCh38, 1-based): chrX:10,185,074, G>T. VCF-style: chrX-10185074-G-T. GRCh37 (hg19) VCF-style: chrX-10153114-G-T.
Other names: c.-38-9837G>T (NM_001256944.2); short protein forms M14I.
Identifiers: ClinVar variation 2096319 (VCV002096319.4), dbSNP rs764506089, ClinGen allele CA10346994.

ClinVar aggregate classification (germline): Uncertain significance (1 of 4 stars; one submission).

Allele frequency attached by ClinVar (database versions not stated): ExAC 0.00001; gnomAD exomes below 0.00001; TOPMed below 0.00001.

Submission:

Labcorp Genetics (formerly Invitae), Labcorp
Classification: Uncertain significance. Last evaluated: 2024-11-06. Review status: criteria provided, single submitter. Criteria: Invitae Variant Classification Sherloc (09022015). Collection method: clinical testing. Allele origin: germline.
Comment: This sequence change replaces methionine, which is neutral and non-polar, with isoleucine, which is neutral and non-polar, at codon 14 of the CLCN4 protein (p.Met14Ile). This variant is present in population databases (rs764506089, gnomAD 0.008%), including at least one homozygous and/or hemizygous individual. This variant has not been reported in the literature in individuals affected with CLCN4-related conditions. ClinVar contains an entry for this variant (Variation ID: 2096319). An algorithm developed to predict the effect of missense changes on protein structure and function (PolyPhen-2) suggests that this variant is likely to be tolerated. In summary, the available evidence is currently insufficient to determine the role of this variant in disease. Therefore, it has been classified as a Variant of Uncertain Significance.